The following is an entry in ClinVar:

ClinVar aggregate classification (germline): Uncertain significance. Review status: criteria provided, multiple submitters, no conflicts (2 of 4 stars). 3 submissions from 3 submitters: Uncertain significance (3). Last evaluated 2025-01-17.

Conditions:
Inborn genetic diseases. Identifiers: MedGen C0950123, MeSH D030342.

Allele frequency attached by ClinVar (database versions not stated): gnomAD 0.00010.

Submissions (3):

ARUP Laboratories, Molecular Genetics and Genomics, ARUP Laboratories
Classification: Uncertain significance. Last evaluated: 2025-01-17. Review status: criteria provided, single submitter. Criteria: ARUP Molecular Germline Variant Investigation Process 2024. Collection method: clinical testing. Allele origin: germline.
Comment: The SPTB c.6017G>A; p.Arg2006His variant (rs767230972), to our knowledge, is not reported in the medical literature but is reported in ClinVar (Variation ID: 2335647). This variant is found in the general population with an overall allele frequency of 0.005% (14/281900 alleles) in the Genome Aggregation Database (v2.1.1). Computational analyses predict that this variant is neutral (REVEL: 0.03). Due to limited information, the clinical significance of this variant is uncertain at this time.

Revvity Omics, Revvity
Classification: Uncertain significance. Last evaluated: 2023-06-12. Review status: criteria provided, single submitter. Criteria: ACMG Guidelines, 2015. Collection method: clinical testing. Allele origin: germline.

Ambry Genetics
Classification: Uncertain significance for Inborn genetic diseases. Last evaluated: 2023-01-04. Review status: criteria provided, single submitter. Criteria: Ambry Variant Classification Scheme 2023. Collection method: clinical testing. Allele origin: germline.

NM_001355436.2(SPTB):c.6017G>A (p.Arg2006His)

Gene: SPTB (spectrin beta, erythrocytic; minus strand). Cytogenetic location: 14q23.3.
Variant type: single nucleotide variant.
Coding change: c.6017G>A on transcript NM_001355436.2 (MANE Select); coding-DNA position 6017, G replaced by A.
Protein change: p.Arg2006His; replaces arginine 2006 with histidine.
Molecular consequence: missense variant.
Genome position (GRCh38, 1-based): chr14:64,769,039, C>T on the plus strand (G>A on the coding strand, the complement: SPTB is on the minus strand). VCF-style: chr14-64769039-C-T. GRCh37 (hg19) VCF-style: chr14-65235757-C-T.
Other names: NM_000347.5:c.6017G>A; c.6017G>A, p.Arg2006His (NM_001024858.4, NM_001355437.2); short protein forms R2006H.
Identifiers: ClinVar variation 2335647 (VCV002335647.6), dbSNP rs767230972, ClinGen allele CA7229785.